The following is an entry in ClinVar:

ClinVar aggregate classification (germline): Uncertain significance. Review status: criteria provided, multiple submitters, no conflicts (2 of 4 stars). 2 submissions from 2 submitters: Uncertain significance (2). Last evaluated 2025-10-11.

Conditions:
Hereditary pancreatitis (PCTT). Also called: Hereditary chronic pancreatitis; PRSS1-Related Hereditary Pancreatitis. Identifiers: Orphanet 676, MedGen C0238339, MONDO:0008185, OMIM 167800.

Allele frequency attached by ClinVar (database versions not stated): TOPMed below 0.00001; gnomAD exomes 0.00001.
gnomAD v4.1: 15 of 1,614,212 alleles (0.00093%); highest among the groups gnomAD compares: Non-Finnish European, 0.0012%; no homozygotes.

Submissions (2):

Ambry Genetics
Classification: Uncertain significance for Hereditary pancreatitis. Last evaluated: 2025-10-11. Review status: criteria provided, single submitter. Criteria: Ambry Variant Classification Scheme 2023. Collection method: clinical testing. Allele origin: germline.
Comment: The p.D135N variant (also known as c.403G>A), located in coding exon 5 of the CTRC gene, results from a G to A substitution at nucleotide position 403. The aspartic acid at codon 135 is replaced by asparagine, an amino acid with highly similar properties. This amino acid position is conserved. In addition, this alteration is predicted to be tolerated by in silico analysis. Since supporting evidence is limited at this time, the clinical significance of this alteration remains unclear.

Labcorp Genetics (formerly Invitae), Labcorp
Classification: Uncertain significance for Hereditary pancreatitis. Last evaluated: 2022-05-31. Review status: criteria provided, single submitter. Criteria: Invitae Variant Classification Sherloc (09022015). Collection method: clinical testing. Allele origin: germline.
Comment: This sequence change replaces aspartic acid, which is acidic and polar, with asparagine, which is neutral and polar, at codon 135 of the CTRC protein (p.Asp135Asn). This variant is present in population databases (no rsID available, gnomAD no frequency). This variant has not been reported in the literature in individuals affected with CTRC-related conditions. Algorithms developed to predict the effect of missense changes on protein structure and function (SIFT, PolyPhen-2, Align-GVGD) all suggest that this variant is likely to be tolerated. In summary, the available evidence is currently insufficient to determine the role of this variant in disease. Therefore, it has been classified as a Variant of Uncertain Significance.

NM_007272.3(CTRC):c.403G>A (p.Asp135Asn)

Gene: CTRC (chymotrypsin C; plus strand). Cytogenetic location: 1p36.21.
Variant type: single nucleotide variant.
Coding change: c.403G>A on transcript NM_007272.3 (MANE Select); coding-DNA position 403, G replaced by A.
Protein change: p.Asp135Asn; replaces aspartic acid 135 with asparagine.
Molecular consequence: missense variant.
Genome position (GRCh38, 1-based): chr1:15,443,465, G>A. VCF-style: chr1-15443465-G-A. GRCh37 (hg19) VCF-style: chr1-15769960-G-A.
Other names: short protein forms D135N.
Identifiers: ClinVar variation 1737274 (VCV001737274.8), dbSNP rs1450083315, ClinGen allele CA338566083.